The following is an entry in ClinVar:

NM_000548.5(TSC2):c.289G>C (p.Ala97Pro)

Gene: TSC2 (TSC complex subunit 2; plus strand). Cytogenetic location: 16p13.3.
Variant type: single nucleotide variant.
Coding change: c.289G>C on transcript NM_000548.5 (MANE Select); coding-DNA position 289, G replaced by C.
Protein change: p.Ala97Pro; replaces alanine 97 with proline.
Molecular consequence: missense variant. On other transcripts: intron variant (2).
Genome position (GRCh38, 1-based): chr16:2,053,405, G>C. VCF-style: chr16-2053405-G-C. GRCh37 (hg19) VCF-style: chr16-2103406-G-C.
Other names: c.289G>C, p.Ala97Pro (NM_001077183.3, NM_001114382.3, NM_001363528.2 and 3 more transcripts); c.142G>C, p.Ala48Pro (NM_001318829.2); c.322G>C, p.Ala108Pro (NM_001318832.2); c.226-891G>C (NM_001318827.2); c.-1-2791G>C (NM_001318831.2); short protein forms A48P, A97P, A108P.
Identifiers: ClinVar variation 646376 (VCV000646376.8), dbSNP rs1446873736, ClinGen allele CA394305771.

ClinVar aggregate classification (germline): Uncertain significance (1 of 4 stars; one submission).

Conditions:
Tuberous sclerosis 2 (TSC2). Identifiers: Orphanet 805, MedGen C1860707, MONDO:0013199, OMIM 613254.

Submission:

Labcorp Genetics (formerly Invitae), Labcorp
Classification: Uncertain significance for Tuberous sclerosis 2. Last evaluated: 2018-08-22. Review status: criteria provided, single submitter. Criteria: Invitae Variant Classification Sherloc (09022015). Collection method: clinical testing. Allele origin: germline.
Comment: In summary, the available evidence is currently insufficient to determine the role of this variant in disease. Therefore, it has been classified as a Variant of Uncertain Significance. Algorithms developed to predict the effect of missense changes on protein structure and function are either unavailable or do not agree on the potential impact of this missense change (SIFT: "Deleterious"; PolyPhen-2: "Probably Damaging"; Align-GVGD: "Class C0"). This variant has not been reported in the literature in individuals with TSC2-related disease. This variant is not present in population databases (ExAC no frequency). This sequence change replaces alanine with proline at codon 97 of the TSC2 protein (p.Ala97Pro). The alanine residue is moderately conserved and there is a small physicochemical difference between alanine and proline.